The following is an entry in ClinVar:

NM_000051.4(ATM):c.6522C>T (p.Ser2174=)

Genes: ATM (ATM serine/threonine kinase; plus strand), C11orf65 (chromosome 11 open reading frame 65; minus strand). Cytogenetic location: 11q22.3.
Variant type: single nucleotide variant.
Coding change: c.6522C>T on transcript NM_000051.4 (MANE Select); coding-DNA position 6522, C replaced by T.
Protein change: p.Ser2174=; no amino-acid change (serine 2174 retained).
Molecular consequence: synonymous variant. On other transcripts: intron variant (2).
Genome position (GRCh38, 1-based): chr11:108,321,370, C>T. VCF-style: chr11-108321370-C-T. GRCh37 (hg19) VCF-style: chr11-108192097-C-T.
Other names: c.6522C>T, p.Ser2174= (NM_001351834.2); c.641-12299G>A (NM_001330368.2); c.*39-12299G>A (NM_001351110.2).
Identifiers: ClinVar variation 575695 (VCV000575695.13), dbSNP rs772850740, ClinGen allele CA6265962.

ClinVar aggregate classification (germline): Benign/Likely benign. Review status: criteria provided, multiple submitters, no conflicts (2 of 4 stars). 3 submissions from 3 submitters: Benign (1); Likely benign (2). Last evaluated 2024-06-06.

Conditions:
Hereditary cancer-predisposing syndrome. Also called: Hereditary Cancer Syndrome; Neoplastic Syndromes, Hereditary; Tumor predisposition; Hereditary neoplastic syndrome. Identifiers: Orphanet 140162, MedGen C0027672, MeSH D009386, MONDO:0015356.
Familial cancer of breast. Also called: BREAST CANCER, FAMILIAL; Hereditary breast cancer; hereditary breast carcinoma. Identifiers: Orphanet 227535, MedGen C0346153, MONDO:0016419, OMIM 114480. Disease mechanism: loss of function.
Ataxia-telangiectasia syndrome (AT). Also called: Cerebello-oculocutaneous telangiectasia; Immunodeficiency with ataxia telangiectasia; Ataxia-telangiectasia, complementation group E; Ataxia-telangiectasia, complementation group D; AT, COMPLEMENTATION GROUP C; ATAXIA-TELANGIECTASIA, COMPLEMENTATION GROUP A. Identifiers: Orphanet 100, MedGen C0004135, MONDO:0008840, OMIM 208900.

Allele frequency attached by ClinVar (database versions not stated): ExAC 0.00001; gnomAD 0.00001.
gnomAD v4.1: 15 of 1,614,054 alleles (0.00093%); highest among the groups gnomAD compares: East Asian, 0.0022%; no homozygotes.

Submissions (3):

Myriad Genetics, Inc.
Classification: Benign for Familial cancer of breast. Last evaluated: 2024-06-06. Review status: criteria provided, single submitter. Criteria: Myriad Autosomal Dominant, Autosomal Recessive and X-Linked Classification Criteria (2023). Collection method: clinical testing. Allele origin: unknown.
Comment: This variant is considered benign. This variant is a silent/synonymous amino acid change and it is not expected to impact splicing.

Labcorp Genetics (formerly Invitae), Labcorp
Classification: Likely benign for Ataxia-telangiectasia syndrome. Last evaluated: 2024-02-24. Review status: criteria provided, single submitter. Criteria: Invitae Variant Classification Sherloc (09022015). Collection method: clinical testing. Allele origin: germline.

Ambry Genetics
Classification: Likely benign for Hereditary cancer-predisposing syndrome. Last evaluated: 2019-08-30. Review status: criteria provided, single submitter. Criteria: Ambry Variant Classification Scheme 2023. Collection method: clinical testing. Allele origin: germline.